The following is an entry in ClinVar:

NM_172364.5(CACNA2D4):c.2318T>G (p.Val773Gly)

Gene: CACNA2D4 (calcium voltage-gated channel auxiliary subunit alpha2delta 4; minus strand). Cytogenetic location: 12p13.33.
Variant type: single nucleotide variant.
Coding change: c.2318T>G on transcript NM_172364.5 (MANE Select); coding-DNA position 2318, T replaced by G.
Protein change: p.Val773Gly; replaces valine 773 with glycine.
Molecular consequence: missense variant.
Genome position (GRCh38, 1-based): chr12:1,846,618, A>C on the plus strand (T>G on the coding strand, the complement: CACNA2D4 is on the minus strand). VCF-style: chr12-1846618-A-C. GRCh37 (hg19) VCF-style: chr12-1955784-A-C.
Other names: short protein forms V773G.
Identifiers: ClinVar variation 1917336 (VCV001917336.6), dbSNP rs778231887, ClinGen allele CA6386747.
Genomic context (GRCh38, chr12:1,846,618, plus strand): 5'-AGGGATTGCCCTCCCGAGGTGGCCGGCCCAACCCACCTGTCGGAGACCTTCTCGGAGCCC[A>C]CGAACAAGCTGCTTCTCAGGAGGCCAGCCCGGGTGCCCAGGAAGGCCATGTCCACCACGT-3'
Protein context (NP_758952.4, residues 763-783): RAGLLRSSLF[Val773Gly]GSEKVSDRKF

ClinVar aggregate classification (germline): Uncertain significance. Review status: criteria provided, multiple submitters, no conflicts (2 of 4 stars). 2 submissions from 2 submitters: Uncertain significance (2). Last evaluated 2024-10-16.

Allele frequency attached by ClinVar (database versions not stated): gnomAD 0.00001; TOPMed 0.00001; ExAC 0.00002; gnomAD exomes 0.00002.
gnomAD v4.1: 23 of 1,601,942 alleles (0.0014%); highest among the groups gnomAD compares: Non-Finnish European, 0.002%; no homozygotes.

Submissions (2):

Blueprint Genetics
Classification: Uncertain significance. Last evaluated: 2024-10-16. Review status: criteria provided, single submitter. Criteria: ACMG Guidelines, 2015. Collection method: clinical testing. Allele origin: germline.

Labcorp Genetics (formerly Invitae), Labcorp
Classification: Uncertain significance. Last evaluated: 2022-05-03. Review status: criteria provided, single submitter. Criteria: Invitae Variant Classification Sherloc (09022015). Collection method: clinical testing. Allele origin: germline.
Comment: This sequence change replaces valine, which is neutral and non-polar, with glycine, which is neutral and non-polar, at codon 773 of the CACNA2D4 protein (p.Val773Gly). This variant is present in population databases (rs778231887, gnomAD 0.004%). This variant has not been reported in the literature in individuals affected with CACNA2D4-related conditions. Algorithms developed to predict the effect of missense changes on protein structure and function are either unavailable or do not agree on the potential impact of this missense change (SIFT: "Deleterious"; PolyPhen-2: "Benign"; Align-GVGD: "Class C0"). In summary, the available evidence is currently insufficient to determine the role of this variant in disease. Therefore, it has been classified as a Variant of Uncertain Significance.